The following is an entry in ClinVar:

NM_000368.5(TSC1):c.2010del (p.Ser671fs)

Gene: TSC1 (TSC complex subunit 1; minus strand). Cytogenetic location: 9q34.13.
Variant type: Deletion.
Coding change: c.2010del on transcript NM_000368.5 (MANE Select); coding-DNA position 2010, one base deleted (C; older notation c.2010delC).
Protein change: p.Ser671fs; shifts the reading frame from serine 671.
Molecular consequence: frameshift variant. On other transcripts: non-coding transcript variant (5).
Genome position (GRCh38, 1-based): chr9:132,904,442, G deleted on the plus strand (C on the coding strand, the reverse complement: TSC1 is on the minus strand); the first of 3 consecutive G bases (chr9:132,904,442-132,904,444); deleting any one gives the same sequence. VCF-style (leftmost placement, unchanged base first): chr9-132904441-TG-T. GRCh37 (hg19) VCF-style: chr9-135779828-TG-T.
Other names: c.2007del, p.Ser670fs (NM_001162426.2, NM_001406597.1, NM_001406598.1 and 6 more transcripts); c.1857del, p.Ser620fs (NM_001162427.2, NM_001406610.1); c.1647del, p.Ser550fs (NM_001362177.2, NM_001406614.1, NM_001406615.1 and 5 more transcripts); c.2010del, p.Ser671fs (NM_001406592.1, NM_001406593.1, NM_001406594.1 and 7 more transcripts); c.1854del, p.Ser619fs (NM_001406611.1, NM_001406612.1, NM_001406613.1); c.1644del, p.Ser549fs (NM_001406620.1, NM_001406621.1, NM_001406622.1 and 2 more transcripts); c.1059del, p.Ser354fs (NM_001406626.1); c.1056del, p.Ser353fs (NM_001406627.1, NM_001406628.1); and 1 more; short protein forms S320fs, S353fs, S354fs, S549fs, S550fs, S619fs, S620fs, S670fs.
Identifiers: ClinVar variation 3773537 (VCV003773537.1).
Genomic context (GRCh38, chr9:132,904,441, plus strand): 5'-CTGGATTTGGAGCTAAAGTAACAACTTTACCTCCAAAGTGGGTCCAGTCGACAGACTTGC[TG>T]GGTAAAGGCAACCTAGGAAGAAAGTTTTTGAGTAACAAAGTTACCGATCTTACCAAGAAA-3'

ClinVar aggregate classification (germline): Pathogenic (1 of 4 stars; one submission).

Conditions:
Tuberous sclerosis 1 (TSC1). Identifiers: Orphanet 805, MedGen C1854465, MONDO:0008612, OMIM 191100.

Submission:

Myriad Genetics, Inc.
Classification: Pathogenic for Tuberous sclerosis 1. Last evaluated: 2024-12-04. Review status: criteria provided, single submitter. Criteria: Myriad Autosomal Dominant, Autosomal Recessive and X-Linked Classification Criteria (2023). Collection method: clinical testing. Allele origin: unknown.
Comment: This variant is considered pathogenic. This variant creates a frameshift predicted to result in premature protein truncation.